The following is an entry in ClinVar:

ClinVar aggregate classification (germline): Benign (1 of 4 stars; one submission).

Conditions:
Leigh syndrome (NULS). Also called: Leigh's necrotizing encephalopathy; Leigh's disease; Leigh Syndrome (mtDNA deletion); Leigh Disease; Subacute necrotizing encephalopathy; Necrotizing encephalopathy infantile subacute of Leigh. Identifiers: Orphanet 506, MedGen C2931891, MONDO:0009723, OMIM 256000.

Submission:

Wong Mito Lab, Molecular and Human Genetics, Baylor College of Medicine
Classification: Benign for Leigh syndrome. Last evaluated: 2019-10-17. Review status: criteria provided, single submitter. Criteria: Modified ACMG Guidelines (Unpublished). Collection method: clinical testing. Allele origin: germline.
Comment: The NC_012920.1:m.8725A>G (YP_003024031.1:p.Thr67Ala) variant in MTATP6 gene is interpretated to be a Benign variant based on the modified ACMG guidelines (unpublished). This variant meets the following evidence codes: BS1, BS2, BP4

NC_012920.1(MT-ATP6):m.8725A>G

Gene: MT-ATP6 (mitochondrially encoded ATP synthase 6; plus strand).
Variant type: single nucleotide variant.
Genome position: chrM-8725-A-G.
Identifiers: ClinVar variation 692966 (VCV000692966.1), dbSNP rs879216744, ClinGen allele CA337098004.
Genomic context (GRCh38, chrMT:8,725, plus strand): 5'-CAATGACTAATCAAACTAACCTCAAAACAAATGATAACCATACACAACACTAAAGGACGA[A>G]CCTGATCTCTTATACTAGTATCCTTAATCATTTTTATTGCCACAACTAACCTCCTCGGAC-3'